The following is an entry in ClinVar:

NM_030912.3(TRIM8):c.876G>T (p.Lys292Asn)

Gene: TRIM8 (tripartite motif containing 8; plus strand). Cytogenetic location: 10q24.32.
Variant type: single nucleotide variant.
Coding change: c.876G>T on transcript NM_030912.3 (MANE Select); coding-DNA position 876, G replaced by T.
Protein change: p.Lys292Asn; replaces lysine 292 with asparagine.
Molecular consequence: missense variant. On other transcripts: non-coding transcript variant (1).
Genome position (GRCh38, 1-based): chr10:102,655,289, G>T. VCF-style: chr10-102655289-G-T. GRCh37 (hg19) VCF-style: chr10-104415046-G-T.
Other names: c.780G>T, p.Lys260Asn (NM_001345950.1); short protein forms K260N, K292N.
Identifiers: ClinVar variation 3656228 (VCV003656228.2).

ClinVar aggregate classification (germline): Uncertain significance (1 of 4 stars; one submission).

Submission:

Labcorp Genetics (formerly Invitae), Labcorp
Classification: Uncertain significance. Last evaluated: 2024-06-11. Review status: criteria provided, single submitter. Criteria: Invitae Variant Classification Sherloc (09022015). Collection method: clinical testing. Allele origin: germline.
Comment: This sequence change replaces lysine, which is basic and polar, with asparagine, which is neutral and polar, at codon 292 of the TRIM8 protein (p.Lys292Asn). This variant is not present in population databases (gnomAD no frequency). This variant has not been reported in the literature in individuals affected with TRIM8-related conditions. An algorithm developed to predict the effect of missense changes on protein structure and function (PolyPhen-2) suggests that this variant is likely to be disruptive. In summary, the available evidence is currently insufficient to determine the role of this variant in disease. Therefore, it has been classified as a Variant of Uncertain Significance.